The following is an entry in ClinVar:

ClinVar aggregate classification (germline): Benign (1 of 4 stars; one submission).

Conditions:
Lymphoproliferative syndrome 1 (LPFS1). Identifiers: Orphanet 238505, Orphanet 538963, MedGen C3552634, MONDO:0013081, OMIM 613011.

Allele frequency attached by ClinVar (database versions not stated): ExAC 0.00384; gnomAD 0.01005 and 0.01053; ESP Exome Variant Server 0.01061; TOPMed 0.01232; 1000 Genomes Project 0.01538; 1000 Genomes Project 30x 0.01640.
gnomAD v4.1: 3,682 of 1,611,142 alleles (0.23%); highest among the groups gnomAD compares: African/African-American, 3%; 51 homozygotes.

Submission:

Illumina Laboratory Services, Illumina
Classification: Benign for Lymphoproliferative syndrome 1. Last evaluated: 2018-01-12. Review status: criteria provided, single submitter. Criteria: ICSL Variant Classification Criteria 13 December 2019. Collection method: clinical testing. Allele origin: germline.
Comment: This variant was observed in the ICSL laboratory as part of a predisposition screen in an ostensibly healthy population. It had not been previously curated by ICSL or reported in the Human Gene Mutation Database (HGMD: prior to June 1st, 2018), and was therefore a candidate for classification through an automated scoring system. Utilizing variant allele frequency, disease prevalence and penetrance estimates, and inheritance mode, an automated score was calculated to assess if this variant is too frequent to cause the disease. Based on the score and internal cut-off values, a variant classified as benign is not then subjected to further curation. The score for this variant resulted in a classification of benign for this disease.

NM_005546.4(ITK):c.-32C>A

Gene: ITK (IL2 inducible T cell kinase; plus strand). Cytogenetic location: 5q33.3.
Variant type: single nucleotide variant.
Coding change: c.-32C>A on transcript NM_005546.4 (MANE Select); 32 bases upstream of the start codon, C replaced by A.
Molecular consequence: 5 prime UTR variant.
Genome position (GRCh38, 1-based): chr5:157,180,946, C>A. VCF-style: chr5-157180946-C-A. GRCh37 (hg19) VCF-style: chr5-156607957-C-A.
Identifiers: ClinVar variation 352455 (VCV000352455.5), dbSNP rs148134638, ClinGen allele CA3532597.